The following is an entry in ClinVar:

NM_001458.5(FLNC):c.6214G>A (p.Gly2072Arg)

Genes: FLNC-AS1 (FLNC antisense RNA 1; minus strand), FLNC (filamin C; plus strand). Cytogenetic location: 7q32.1.
Variant type: single nucleotide variant.
Coding change: c.6214G>A on transcript NM_001458.5 (MANE Select); coding-DNA position 6214, G replaced by A.
Protein change: p.Gly2072Arg; replaces glycine 2072 with arginine.
Molecular consequence: missense variant.
Genome position (GRCh38, 1-based): chr7:128,853,474, G>A. VCF-style: chr7-128853474-G-A. GRCh37 (hg19) VCF-style: chr7-128493528-G-A.
Other names: c.6115G>A, p.Gly2039Arg (NM_001127487.2); c.6214G>A (NM_001458.4); short protein forms G2039R, G2072R.
Identifiers: ClinVar variation 1420243 (VCV001420243.6), dbSNP rs2128939071, ClinGen allele CA369211816.

ClinVar aggregate classification (germline): Uncertain significance. Review status: criteria provided, multiple submitters, no conflicts (2 of 4 stars). 2 submissions from 2 submitters: Uncertain significance (2). Last evaluated 2025-12-05.

Conditions:
Myofibrillar myopathy 5. Also called: FILAMINOPATHY, AUTOSOMAL DOMINANT; Filaminopathy (type). Identifiers: Orphanet 171445, MedGen C1836050, MONDO:0012289, OMIM 609524.
Distal myopathy with posterior leg and anterior hand involvement. Also called: WILLIAMS DISTAL MYOPATHY. Identifiers: Orphanet 63273, MedGen C3279722, MONDO:0013550, OMIM 614065.
Dilated Cardiomyopathy, Dominant.
Hypertrophic cardiomyopathy 26. Also called: Cardiomyopathy, familial hypertrophic, 26. Identifiers: Orphanet 75249, MedGen C4310749, MONDO:0014883, OMIM 617047.
Cardiovascular phenotype. Identifiers: MedGen CN230736.

Submissions (2):

Ambry Genetics
Classification: Uncertain significance for Cardiovascular phenotype. Last evaluated: 2025-12-05. Review status: criteria provided, single submitter. Criteria: Ambry Variant Classification Scheme 2023. Collection method: clinical testing. Allele origin: germline.
Comment: The p.G2072R variant (also known as c.6214G>A), located in coding exon 38 of the FLNC gene, results from a G to A substitution at nucleotide position 6214. The glycine at codon 2072 is replaced by arginine, an amino acid with dissimilar properties. This variant was reported in individual(s) with features consistent with hypertrophic cardiomyopathy (HCM) (Chumakova OS et al. Genes (Basel), 2023 Nov;14:). This amino acid position is highly conserved in available vertebrate species. In addition, this alteration is predicted to be deleterious by in silico analysis. Based on the available evidence, the clinical significance of this variant remains unclear.

Labcorp Genetics (formerly Invitae), Labcorp
Classification: Uncertain significance for Distal myopathy with posterior leg and anterior hand involvement; Myofibrillar myopathy 5; Hypertrophic cardiomyopathy 26. Last evaluated: 2021-08-17. Review status: criteria provided, single submitter. Criteria: Invitae Variant Classification Sherloc (09022015). Collection method: clinical testing. Allele origin: germline.
Comment: In summary, the available evidence is currently insufficient to determine the role of this variant in disease. Therefore, it has been classified as a Variant of Uncertain Significance. Algorithms developed to predict the effect of sequence changes on RNA splicing suggest that this variant may create or strengthen a splice site. Algorithms developed to predict the effect of missense changes on protein structure and function are either unavailable or do not agree on the potential impact of this missense change (SIFT: "Deleterious"; PolyPhen-2: "Probably Damaging"; Align-GVGD: "Class C15"). This variant has not been reported in the literature in individuals affected with FLNC-related conditions. This variant is not present in population databases (ExAC no frequency). This sequence change replaces glycine with arginine at codon 2072 of the FLNC protein (p.Gly2072Arg). The glycine residue is highly conserved and there is a moderate physicochemical difference between glycine and arginine.

Literature cited by the submitters: PubMed 38002985 (cited by Ambry Genetics).